The following is an entry in ClinVar:

NM_001393769.1(MED12L):c.6298-2A>C

Gene: MED12L (mediator complex subunit 12L; plus strand). Cytogenetic location: 3q25.1.
Variant type: single nucleotide variant.
Coding change: c.6298-2A>C on transcript NM_001393769.1 (MANE Select); the canonical splice acceptor site of the intron before coding-DNA position 6298, A replaced by C.
Molecular consequence: splice acceptor variant.
Genome position (GRCh38, 1-based): chr3:151,416,310, A>C. VCF-style: chr3-151416310-A-C. GRCh37 (hg19) VCF-style: chr3-151134098-A-C.
Other names: c.6193-2A>C (NM_053002.6).
Identifiers: ClinVar variation 3340877 (VCV003340877.1).

ClinVar aggregate classification (germline): Likely pathogenic (1 of 4 stars; one submission).

gnomAD v4.1: 12 of 1,613,076 alleles (0.00074%); highest among the groups gnomAD compares: African/African-American, 0.0013%; no homozygotes.

Submission:

GeneDx
Classification: Likely pathogenic. Last evaluated: 2023-11-15. Review status: criteria provided, single submitter. Criteria: GeneDx Variant Classification Process June 2021. Collection method: clinical testing. Allele origin: germline. Affected: yes.
Comment: Canonical splice site variant predicted to result in an in-frame loss of the adjacent exon in a gene for which loss of function is a known mechanism of disease; Not observed at significant frequency in large population cohorts (gnomAD); Has not been previously published as pathogenic or benign to our knowledge